The following is an entry in ClinVar:

ClinVar aggregate classification (germline): Uncertain significance. Review status: criteria provided, multiple submitters, no conflicts (2 of 4 stars). 2 submissions from 2 submitters: Uncertain significance (2). Last evaluated 2024-12-04.

Conditions:
Hereditary cancer-predisposing syndrome. Also called: Hereditary neoplastic syndrome; Neoplastic Syndromes, Hereditary; Tumor predisposition; Hereditary Cancer Syndrome. Identifiers: Orphanet 140162, MedGen C0027672, MeSH D009386, MONDO:0015356.
Ataxia-telangiectasia syndrome (AT). Also called: Ataxia telangiectasia (A-T); Cerebello-oculocutaneous telangiectasia; Immunodeficiency with ataxia telangiectasia; ATAXIA-TELANGIECTASIA, FRESNO VARIANT; LOUIS-BAR SYNDROME; Ataxia-telangiectasia, complementation group D. Identifiers: Orphanet 100, MedGen C0004135, MONDO:0008840, OMIM 208900.

Allele frequency attached by ClinVar (database versions not stated): gnomAD exomes below 0.00001.

Submissions (2):

Molecular Diagnostics Laboratory, Catalan Institute of Oncology
Classification: Uncertain significance for Hereditary cancer-predisposing syndrome. Last evaluated: 2024-12-04. Review status: criteria provided, single submitter. Criteria: ClinGen ACMG Specifications ATM V1.1.0. Collection method: clinical testing. Allele origin: germline.
Comment: PM2_Supporting c.5279T>C located in exon 35 of the ATM gene, is predicted to result in the substitution of methionine by threonine at codon 1760, p.(Met1760Thr).It is not present in the population database gnomAD v2.1.1, non cancer dataset (PM2_supporting). The SpliceAI algorithm results in a non-informative deltascore (0.18) for the effect of this variant on splicing and the REVEL meta-predictor score for this variant (0.453) is indeterminate regarding the effect that it may have on protein function. To our knowledge, functional studies have not been reported for this variant. In addition, the variant was also identified in the ClinVar database (1x uncertain significance) but is not present in LOVD database. Based on currently available information, the variant c.5279T>C is classified as an uncertain significance variant according to ClinGen-ATM Guidelines version v1.1.

Labcorp Genetics (formerly Invitae), Labcorp
Classification: Uncertain significance for Ataxia-telangiectasia syndrome. Last evaluated: 2023-09-29. Review status: criteria provided, single submitter. Criteria: Invitae Variant Classification Sherloc (09022015). Collection method: clinical testing. Allele origin: germline.
Comment: This sequence change replaces methionine, which is neutral and non-polar, with threonine, which is neutral and polar, at codon 1760 of the ATM protein (p.Met1760Thr). This variant is not present in population databases (gnomAD no frequency). This variant has not been reported in the literature in individuals affected with ATM-related conditions. An algorithm developed to predict the effect of missense changes on protein structure and function (PolyPhen-2) suggests that this variant is likely to be tolerated. In summary, the available evidence is currently insufficient to determine the role of this variant in disease. Therefore, it has been classified as a Variant of Uncertain Significance.

NM_000051.4(ATM):c.5279T>C (p.Met1760Thr)

Gene: ATM (ATM serine/threonine kinase; plus strand). Cytogenetic location: 11q22.3.
Variant type: single nucleotide variant.
Coding change: c.5279T>C on transcript NM_000051.4 (MANE Select); coding-DNA position 5279, T replaced by C.
Protein change: p.Met1760Thr; replaces methionine 1760 with threonine.
Molecular consequence: missense variant.
Genome position (GRCh38, 1-based): chr11:108,301,749, T>C. VCF-style: chr11-108301749-T-C. GRCh37 (hg19) VCF-style: chr11-108172476-T-C.
Other names: c.5279T>C, p.Met1760Thr (NM_001351834.2); short protein forms M1760T.
Identifiers: ClinVar variation 2789642 (VCV002789642.4), dbSNP rs2135914576, ClinGen allele CA382542625.